The following is an entry in ClinVar:

ClinVar aggregate classification (germline): Pathogenic (1 of 4 stars; one submission).

Conditions:
Glycogen storage disease IXb (GSD9B). Also called: GLYCOGENOSIS OF LIVER AND MUSCLE, AUTOSOMAL RECESSIVE; GSD IXb; PHOSPHORYLASE KINASE DEFICIENCY OF LIVER AND MUSCLE, AUTOSOMAL RECESSIVE. Identifiers: Orphanet 79240, MedGen C0543514, MONDO:0009868, OMIM 261750.

Submission:

Labcorp Genetics (formerly Invitae), Labcorp
Classification: Pathogenic for Glycogen storage disease IXb. Last evaluated: 2025-12-16. Review status: criteria provided, single submitter. Criteria: Invitae Variant Classification Sherloc (09022015). Collection method: clinical testing. Allele origin: germline.
Comment: This sequence change creates a premature translational stop signal (p.Phe378Leufs*15) in the PHKB gene. It is expected to result in an absent or disrupted protein product. Loss-of-function variants in PHKB are known to be pathogenic (PMID: 9215682, 9326319). This variant is not present in population databases (gnomAD no frequency). This variant has not been reported in the literature in individuals affected with PHKB-related conditions. For these reasons, this variant has been classified as Pathogenic.

Literature cited by the submitters: PubMed 9215682; PubMed 9326319.

NM_000293.3(PHKB):c.1134del (p.Phe378fs)

Gene: PHKB (phosphorylase kinase regulatory subunit beta; plus strand). Cytogenetic location: 16q12.1.
Variant type: Deletion.
Coding change: c.1134del on transcript NM_000293.3 (MANE Select); coding-DNA position 1134, one base deleted (T; older notation c.1134delT).
Protein change: p.Phe378fs; shifts the reading frame from phenylalanine 378.
Molecular consequence: frameshift variant.
Genome position (GRCh38, 1-based): chr16:47,594,144, T deleted; the last of 5 consecutive T bases (chr16:47,594,140-47,594,144); deleting any one gives the same sequence. VCF-style (leftmost placement, unchanged base first): chr16-47594139-GT-G. GRCh37 (hg19) VCF-style: chr16-47628050-GT-G.
Other names: c.1113del, p.Phe371fs (NM_001031835.3); c.1134del, p.Phe378fs (NM_001363837.1); short protein forms F371fs, F378fs.
Identifiers: ClinVar variation 4781269 (VCV004781269.1).